The following is an entry in ClinVar:

NM_006767.4(LZTR1):c.19_21delinsCC (p.Thr7fs)

Genes: LZTR1 (leucine zipper like post translational regulator 1; plus strand), LOC130067016 (ATAC-STARR-seq lymphoblastoid silent region 13504; plus strand). Cytogenetic location: 22q11.21.
Variant type: Indel.
Coding change: c.19_21delinsCC on transcript NM_006767.4 (MANE Select); coding-DNA positions 19 to 21, ACG replaced by CC.
Protein change: p.Thr7fs; shifts the reading frame from threonine 7.
Molecular consequence: frameshift variant.
Genome position (GRCh38, 1-based): chr22:20,982,390-20,982,392, ACG replaced by CC. VCF-style: chr22-20982390-ACG-CC. GRCh37 (hg19) VCF-style: chr22-21336679-ACG-CC.
Other names: short protein forms T7fs.
Identifiers: ClinVar variation 1782298 (VCV001782298.3), dbSNP rs2518607571, ClinGen allele CA2580099151.

ClinVar aggregate classification (germline): Pathogenic (1 of 4 stars; one submission).

Conditions:
Hereditary cancer-predisposing syndrome. Also called: Neoplastic Syndromes, Hereditary; Tumor predisposition; Hereditary Cancer Syndrome; Hereditary neoplastic syndrome. Identifiers: Orphanet 140162, MedGen C0027672, MeSH D009386, MONDO:0015356.
Cardiovascular phenotype. Identifiers: MedGen CN230736.

Submission:

Ambry Genetics
Classification: Pathogenic for Cardiovascular phenotype; Hereditary cancer-predisposing syndrome. Last evaluated: 2025-12-05. Review status: criteria provided, single submitter. Criteria: Ambry Variant Classification Scheme 2023. Collection method: clinical testing. Allele origin: germline.
Comment: The c.19_21delACGinsCC pathogenic mutation, located in coding exon 1 of the LZTR1 gene, results from the deletion of 3 nucleotides and insertion of two nucleotides causing a translational frameshift with a predicted alternate stop codon (p.T7Pfs*18). This variant is considered to be rare based on population cohorts in the Genome Aggregation Database (gnomAD). This alteration is expected to result in loss of function by premature protein truncation or nonsense-mediated mRNA decay. Loss-of-function variants in LZTR1 are related to an increased risk for schwannomas and autosomal recessive Noonan syndrome; however, such associations with autosomal dominant Noonan syndrome have not been observed (Piotrowski A et al. Nat Genet. 2014 Feb;46:182-7; Yamamoto GL et al. J Med Genet. 2015 Jun;52:413-21; Johnston JJ et al. Genet Med. 2018 10;20:1175-1185). Based on the supporting evidence, this variant is pathogenic for an increased risk of LZTR1-related schwannomatosis (SWN) and would be expected to cause autosomal recessive Noonan syndrome when present along with a second pathogenic or likely pathogenic variant on the other allele; however, the association of this alteration with autosomal dominant Noonan syndrome is unlikely.